The following is an entry in ClinVar:

NM_006946.4(SPTBN2):c.2330dup (p.His777fs)

Gene: SPTBN2 (spectrin beta, non-erythrocytic 2; minus strand). Cytogenetic location: 11q13.2.
Variant type: Duplication.
Coding change: c.2330dup on transcript NM_006946.4 (MANE Select); coding-DNA position 2330, one base duplicated (A; older notation c.2330dupA).
Protein change: p.His777fs; shifts the reading frame from histidine 777.
Molecular consequence: frameshift variant.
Genome position (GRCh38, 1-based): chr11:66,704,946, T duplicated on the plus strand (A on the coding strand, the reverse complement: SPTBN2 is on the minus strand). VCF-style (leftmost placement, unchanged base first): chr11-66704945-G-GT. GRCh37 (hg19) VCF-style: chr11-66472416-G-GT.
Other names: NM_006946.4:c.2330dup; c.2351dup, p.His784Glnfs (NM_001411025.1); short protein forms H777fs.
Identifiers: ClinVar variation 2412721 (VCV002412721.1), dbSNP rs2496277115, ClinGen allele CA2573332450.
Genomic context (GRCh38, chr11:66,704,945, plus strand): 5'-TCGAATCTCCTCCTCCAGGGCCCGATGCTGCCTGGCTAGAGCCTGCGTGGAGAACTCGTC[G>GT]TGCCCCAGCTCGGGGCTGGACACCAGGCGCAGTGCGTCAACCAACCAGGCCTCCATGTCG-3'

ClinVar aggregate classification (germline): Likely pathogenic (1 of 4 stars; one submission).

Conditions:
Autosomal recessive spinocerebellar ataxia 14. Also called: CEREBELLAR ATAXIA, AUTOSOMAL RECESSIVE, SPECTRIN-ASSOCIATED, 1. Identifiers: Orphanet 352403, MedGen C4706415, MONDO:0014159, OMIM 615386.

Submission:

Broad Center for Mendelian Genomics, Broad Institute of MIT and Harvard
Classification: Likely pathogenic for Autosomal recessive spinocerebellar ataxia 14. Last evaluated: 2023-01-25. Review status: criteria provided, single submitter. Criteria: ACMG Guidelines, 2015. Collection method: curation. Allele origin: germline. Inheritance: Autosomal recessive inheritance.
Comment: The p.His777GlnfsTer106 variant in SPTBN2 has not been previously reported in individuals with autosomal recessive spinocerebellar ataxia 14. This variant was absent from large population studies. This variant is predicted to cause a frameshift, which alters the protein‚Äôs amino acid sequence beginning at position 777 and leads to a premature termination codon 106 amino acids downstream. This alteration is then predicted to lead to a truncated or absent protein. Loss of function of the SPTBN2 gene is strongly associated to spinocerebellar ataxia 14. In summary, although additional studies are required to fully establish its clinical significance, this variant is likely pathogenic for autosomal recessive spinocerebellar ataxia 14. ACMG/AMP Criteria applied: PVS1_Strong, PM2_Supporting, PM3_Supporting (Richards 2015).